The following is an entry in ClinVar:

NM_000465.4(BARD1):c.1875C>A (p.Leu625=)

Gene: BARD1 (BRCA1 associated RING domain 1; minus strand). Cytogenetic location: 2q35.
Variant type: single nucleotide variant.
Coding change: c.1875C>A on transcript NM_000465.4 (MANE Select); coding-DNA position 1875, C replaced by A.
Protein change: p.Leu625=; no amino-acid change (leucine 625 retained).
Molecular consequence: synonymous variant. On other transcripts: non-coding transcript variant (3), intron variant (1).
Genome position (GRCh38, 1-based): chr2:214,745,095, G>T on the plus strand (C>A on the coding strand, the complement: BARD1 is on the minus strand). VCF-style: chr2-214745095-G-T. GRCh37 (hg19) VCF-style: chr2-215609819-G-T.
Other names: c.1818C>A, p.Leu606= (NM_001282543.2); c.522C>A, p.Leu174= (NM_001282545.2); c.465C>A, p.Leu155= (NM_001282548.2); c.365-14587C>A (NM_001282549.2).
Identifiers: ClinVar variation 1549812 (VCV001549812.10), dbSNP rs1396679779, ClinGen allele CA431144940.

ClinVar aggregate classification (germline): Benign/Likely benign. Review status: criteria provided, multiple submitters, no conflicts (2 of 4 stars). 2 submissions from 2 submitters: Benign (1); Likely benign (1). Last evaluated 2024-07-26.

Conditions:
Familial cancer of breast. Also called: BREAST CANCER, FAMILIAL; hereditary breast carcinoma; Hereditary breast cancer. Identifiers: Orphanet 227535, MedGen C0346153, MONDO:0016419, OMIM 114480. Disease mechanism: loss of function.

gnomAD v4.1: 5 of 1,613,920 alleles (0.00031%); highest among the groups gnomAD compares: Non-Finnish European, 0.00042%; no homozygotes.

Submissions (2):

Myriad Genetics, Inc.
Classification: Benign for Familial cancer of breast. Last evaluated: 2024-07-26. Review status: criteria provided, single submitter. Criteria: Myriad Autosomal Dominant, Autosomal Recessive and X-Linked Classification Criteria (2023). Collection method: clinical testing. Allele origin: unknown.
Comment: This variant is considered benign. This variant is a silent/synonymous amino acid change and it is not expected to impact splicing.

Labcorp Genetics (formerly Invitae), Labcorp
Classification: Likely benign for Familial cancer of breast. Last evaluated: 2023-04-28. Review status: criteria provided, single submitter. Criteria: Invitae Variant Classification Sherloc (09022015). Collection method: clinical testing. Allele origin: germline.